The following is an entry in ClinVar:

ClinVar aggregate classification (germline): Uncertain significance (1 of 4 stars; one submission).

Conditions:
Glycogen storage disease, type V (GSD5). Also called: MCARDLE DISEASE; MUSCLE GLYCOGEN PHOSPHORYLASE DEFICIENCY; MYOPHOSPHORYLASE DEFICIENCY; PYGM DEFICIENCY; McArdle type glycogen storage disease. Identifiers: Orphanet 368, MedGen C0017924, MONDO:0009293, OMIM 232600.

Submission:

Labcorp Genetics (formerly Invitae), Labcorp
Classification: Uncertain significance for Glycogen storage disease, type V. Last evaluated: 2022-05-27. Review status: criteria provided, single submitter. Criteria: Invitae Variant Classification Sherloc (09022015). Collection method: clinical testing. Allele origin: germline.
Comment: This sequence change replaces valine, which is neutral and non-polar, with leucine, which is neutral and non-polar, at codon 65 of the PYGM protein (p.Val65Leu). This variant is not present in population databases (gnomAD no frequency). This variant has not been reported in the literature in individuals affected with PYGM-related conditions. Algorithms developed to predict the effect of missense changes on protein structure and function are either unavailable or do not agree on the potential impact of this missense change (SIFT: "Not Available"; PolyPhen-2: "Benign"; Align-GVGD: "Not Available"). In summary, the available evidence is currently insufficient to determine the role of this variant in disease. Therefore, it has been classified as a Variant of Uncertain Significance.

NM_005609.4(PYGM):c.193G>C (p.Val65Leu)

Gene: PYGM (glycogen phosphorylase, muscle associated; minus strand). Cytogenetic location: 11q13.1.
Variant type: single nucleotide variant.
Coding change: c.193G>C on transcript NM_005609.4 (MANE Select); coding-DNA position 193, G replaced by C.
Protein change: p.Val65Leu; replaces valine 65 with leucine.
Molecular consequence: missense variant.
Genome position (GRCh38, 1-based): chr11:64,759,706, C>G on the plus strand (G>C on the coding strand, the complement: PYGM is on the minus strand). VCF-style: chr11-64759706-C-G. GRCh37 (hg19) VCF-style: chr11-64527178-C-G.
Other names: c.193G>C, p.Val65Leu (NM_001164716.1); short protein forms V65L.
Identifiers: ClinVar variation 1999404 (VCV001999404.4), dbSNP rs149658961, ClinGen allele CA381112200.
Genomic context (GRCh38, chr11:64,759,706, plus strand): 5'-CCAGCAGCACCTTGGGGTCCTTCTCATAGTAGTGCTGCTGCGTGCGGATCCAGCGCCCCA[C>G]GAGGTGGTCGCGCACGGTATGGGCCAGAGCAAAGTAGTAGTCTCGTGGGGTGGCCACATT-3'
Protein context (NP_005600.1, residues 55-75): ALAHTVRDHL[Val65Leu]GRWIRTQQHY